The following is an entry in ClinVar:

NM_000179.3(MSH6):c.261-13C>T

Gene: MSH6 (mutS homolog 6; plus strand). Cytogenetic location: 2p16.3.
Variant type: single nucleotide variant.
Coding change: c.261-13C>T on transcript NM_000179.3 (MANE Select); 13 bases into the intron before coding-DNA position 261, C replaced by T.
Molecular consequence: intron variant.
Genome position (GRCh38, 1-based): chr2:47,790,914, C>T. VCF-style: chr2-47790914-C-T. GRCh37 (hg19) VCF-style: chr2-48018053-C-T.
Other names: c.-476-13C>T (NM_001281493.2); c.237+7444C>T (NM_001281492.2); c.-642-13C>T (NM_001281494.2).
Identifiers: ClinVar variation 1594671 (VCV001594671.9), dbSNP rs2104097518, ClinGen allele CA2573134893.

ClinVar aggregate classification (germline): Likely benign. Review status: criteria provided, multiple submitters, no conflicts (2 of 4 stars). 2 submissions from 2 submitters: Likely benign (2). Last evaluated 2025-09-02.

Conditions:
Hereditary nonpolyposis colorectal neoplasms. Identifiers: MedGen C0009405, MeSH D003123.
Lynch syndrome 5 (LYNCH5). Also called: Hereditary non-polyposis colorectal cancer, type 5; Colorectal cancer, hereditary nonpolyposis, type 5. Identifiers: Orphanet 144, MedGen C1833477, MONDO:0013710, OMIM 614350. Disease mechanism: loss of function.

Submissions (2):

Labcorp Genetics (formerly Invitae), Labcorp
Classification: Likely benign for Hereditary nonpolyposis colorectal neoplasms. Last evaluated: 2025-09-02. Review status: criteria provided, single submitter. Criteria: Invitae Variant Classification Sherloc (09022015). Collection method: clinical testing. Allele origin: germline.

Myriad Genetics, Inc.
Classification: Likely benign for Lynch syndrome 5. Last evaluated: 2024-12-18. Review status: criteria provided, single submitter. Criteria: Myriad Autosomal Dominant, Autosomal Recessive and X-Linked Classification Criteria (2023). Collection method: clinical testing. Allele origin: unknown.
Comment: This variant is considered likely benign. This variant is intronic and is not expected to impact mRNA splicing.